The following is an entry in ClinVar:

ClinVar aggregate classification (germline): Uncertain significance (1 of 4 stars; one submission).

Submission:

GeneDx
Classification: Uncertain significance. Last evaluated: 2026-03-19. Review status: criteria provided, single submitter. Criteria: GeneDx Variant Classification Process June 2021. Collection method: clinical testing. Allele origin: germline.
Comment: Not observed at significant frequency in large population cohorts (gnomAD); In silico analysis supports that this missense variant has a deleterious effect on protein structure/function; Has not been previously published as pathogenic or benign to our knowledge

NM_197968.4(ZMYM2):c.1848T>A (p.Phe616Leu)

Gene: ZMYM2 (zinc finger MYM-type containing 2; plus strand). Cytogenetic location: 13q12.11.
Variant type: single nucleotide variant.
Coding change: c.1848T>A on transcript NM_197968.4 (MANE Select); coding-DNA position 1848, T replaced by A.
Protein change: p.Phe616Leu; replaces phenylalanine 616 with leucine.
Molecular consequence: missense variant. On other transcripts: non-coding transcript variant (1).
Genome position (GRCh38, 1-based): chr13:20,027,315, T>A. VCF-style: chr13-20027315-T-A. GRCh37 (hg19) VCF-style: chr13-20601455-T-A.
Other names: c.1848T>A, p.Phe616Leu (NM_001190964.4, NM_001190965.4, NM_001353157.2 and 5 more transcripts); c.1653T>A, p.Phe551Leu (NM_001353161.3); c.1587T>A, p.Phe529Leu (NM_001353163.2); short protein forms F551L, F616L, F529L.
Identifiers: ClinVar variation 5009279 (VCV005009279.1).